The following is an entry in ClinVar:

ClinVar aggregate classification (germline): Uncertain significance (1 of 4 stars; one submission).

Submission:

Labcorp Genetics (formerly Invitae), Labcorp
Classification: Uncertain significance. Last evaluated: 2022-09-27. Review status: criteria provided, single submitter. Criteria: Invitae Variant Classification Sherloc (09022015). Collection method: clinical testing. Allele origin: germline.
Comment: This sequence change replaces proline, which is neutral and non-polar, with histidine, which is basic and polar, at codon 44 of the KMT2A protein (p.Pro44His). The frequency data for this variant in the population databases is considered unreliable, as metrics indicate insufficient coverage at this position in the gnomAD database. In summary, the available evidence is currently insufficient to determine the role of this variant in disease. Therefore, it has been classified as a Variant of Uncertain Significance. Advanced modeling of protein sequence and biophysical properties (such as structural, functional, and spatial information, amino acid conservation, physicochemical variation, residue mobility, and thermodynamic stability) has been performed at Invitae for this missense variant, however the output from this modeling did not meet the statistical confidence thresholds required to predict the impact of this variant on KMT2A protein function. This variant has not been reported in the literature in individuals affected with KMT2A-related conditions.

NM_001197104.2(KMT2A):c.131C>A (p.Pro44His)

Gene: KMT2A (lysine methyltransferase 2A; plus strand). Cytogenetic location: 11q23.3.
Variant type: single nucleotide variant.
Coding change: c.131C>A on transcript NM_001197104.2 (MANE Select); coding-DNA position 131, C replaced by A.
Protein change: p.Pro44His; replaces proline 44 with histidine.
Molecular consequence: missense variant.
Genome position (GRCh38, 1-based): chr11:118,436,643, C>A. VCF-style: chr11-118436643-C-A. GRCh37 (hg19) VCF-style: chr11-118307358-C-A.
Other names: c.131C>A, p.Pro44His (NM_001412597.1, NM_005933.4); short protein forms P44H.
Identifiers: ClinVar variation 2084713 (VCV002084713.4), dbSNP rs2497098149, ClinGen allele CA382797314.